The following is an entry in ClinVar:

ClinVar aggregate classification (germline): Uncertain significance (1 of 4 stars; one submission).

Submission:

GeneDx
Classification: Uncertain significance. Last evaluated: 2022-09-23. Review status: criteria provided, single submitter. Criteria: GeneDx Variant Classification Process June 2021. Collection method: clinical testing. Allele origin: germline. Affected: yes.
Comment: Not observed at significant frequency in large population cohorts (gnomAD); In silico analysis supports that this missense variant has a deleterious effect on protein structure/function; Has not been previously published as pathogenic or benign to our knowledge

NM_000539.3(RHO):c.443T>C (p.Phe148Ser)

Gene: RHO (rhodopsin; plus strand). Cytogenetic location: 3q22.1.
Variant type: single nucleotide variant.
Coding change: c.443T>C on transcript NM_000539.3 (MANE Select); coding-DNA position 443, T replaced by C.
Protein change: p.Phe148Ser; replaces phenylalanine 148 with serine.
Molecular consequence: missense variant.
Genome position (GRCh38, 1-based): chr3:129,530,957, T>C. VCF-style: chr3-129530957-T-C. GRCh37 (hg19) VCF-style: chr3-129249800-T-C.
Other names: short protein forms F148S.
Identifiers: ClinVar variation 2446296 (VCV002446296.1), dbSNP rs2533024239, ClinGen allele CA354498263.